The following is an entry in ClinVar:

NM_000535.7(PMS2):c.251-5T>C

Gene: PMS2 (PMS1 homolog 2, mismatch repair system component; minus strand). Cytogenetic location: 7p22.1.
Variant type: single nucleotide variant.
Coding change: c.251-5T>C on transcript NM_000535.7 (MANE Select); 5 bases into the intron before coding-DNA position 251, T replaced by C.
Molecular consequence: intron variant. On other transcripts: synonymous variant (1).
Genome position (GRCh38, 1-based): chr7:6,003,797, A>G on the plus strand (T>C on the coding strand, the complement: PMS2 is on the minus strand). VCF-style: chr7-6003797-A-G. GRCh37 (hg19) VCF-style: chr7-6043428-A-G.
Other names: c.270T>C, p.Leu90= (NM_001406868.1); c.35+175T>C (NM_001322008.2, NM_001406902.1, NM_001406883.1 and 4 more transcripts); c.-132+175T>C (NM_001406881.1, NM_001406900.1); c.-102-5T>C (NM_001406895.1, NM_001406904.1, NM_001406889.1 and 6 more transcripts); c.-155-5T>C (NM_001406911.1, NM_001322010.2, NM_001322004.2 and 13 more transcripts); c.-234-5T>C (NM_001406879.1, NM_001322015.2, NM_001406878.1 and 3 more transcripts); c.-634-5T>C (NM_001322012.2, NM_001322011.2); c.-52-1161T>C (NM_001406896.1); and 5 more.
Identifiers: ClinVar variation 2867012 (VCV002867012.3), dbSNP rs2128827794, ClinGen allele CA2739265473.

ClinVar aggregate classification (germline): Uncertain significance (1 of 4 stars; one submission).

Conditions:
Hereditary nonpolyposis colorectal neoplasms. Identifiers: MedGen C0009405, MeSH D003123.

Submission:

Labcorp Genetics (formerly Invitae), Labcorp
Classification: Uncertain significance for Hereditary nonpolyposis colorectal neoplasms. Last evaluated: 2023-05-22. Review status: criteria provided, single submitter. Criteria: Invitae Variant Classification Sherloc (09022015). Collection method: clinical testing. Allele origin: germline.
Comment: This sequence change falls in intron 3 of the PMS2 gene. It does not directly change the encoded amino acid sequence of the PMS2 protein. This variant is not present in population databases (gnomAD no frequency). This variant has not been reported in the literature in individuals affected with PMS2-related conditions. Algorithms developed to predict the effect of sequence changes on RNA splicing suggest that this variant may disrupt the consensus splice site. In summary, the available evidence is currently insufficient to determine the role of this variant in disease. Therefore, it has been classified as a Variant of Uncertain Significance.